The following is an entry in ClinVar:

ClinVar aggregate classification (germline): Uncertain significance. Review status: criteria provided, multiple submitters, no conflicts (2 of 4 stars). 2 submissions from 2 submitters: Uncertain significance (2). Last evaluated 2024-06-23.

Conditions:
Hereditary cancer-predisposing syndrome. Also called: Tumor predisposition; Neoplastic Syndromes, Hereditary; Hereditary Cancer Syndrome; Hereditary neoplastic syndrome. Identifiers: Orphanet 140162, MedGen C0027672, MeSH D009386, MONDO:0015356.
Birt-Hogg-Dube syndrome. Also called: Birt Hogg Dubé syndrome. Identifiers: Orphanet 122, MedGen C0346010, MONDO:0800444.

Submissions (2):

Labcorp Genetics (formerly Invitae), Labcorp
Classification: Uncertain significance for Birt-Hogg-Dube syndrome. Last evaluated: 2024-06-23. Review status: criteria provided, single submitter. Criteria: Invitae Variant Classification Sherloc (09022015). Collection method: clinical testing. Allele origin: germline.
Comment: This sequence change replaces histidine, which is basic and polar, with leucine, which is neutral and non-polar, at codon 154 of the FLCN protein (p.His154Leu). This variant is not present in population databases (gnomAD no frequency). This variant has not been reported in the literature in individuals affected with FLCN-related conditions. ClinVar contains an entry for this variant (Variation ID: 485628). Advanced modeling of protein sequence and biophysical properties (such as structural, functional, and spatial information, amino acid conservation, physicochemical variation, residue mobility, and thermodynamic stability) performed at Invitae indicates that this missense variant is not expected to disrupt FLCN protein function with a negative predictive value of 80%. In summary, the available evidence is currently insufficient to determine the role of this variant in disease. Therefore, it has been classified as a Variant of Uncertain Significance.

Ambry Genetics
Classification: Uncertain significance for Hereditary cancer-predisposing syndrome. Last evaluated: 2017-07-07. Review status: criteria provided, single submitter. Criteria: Ambry Variant Classification Scheme 2023. Collection method: clinical testing. Allele origin: germline.
Comment: The p.H154L variant (also known as c.461A>T), located in coding exon 3 of the FLCN gene, results from an A to T substitution at nucleotide position 461. The histidine at codon 154 is replaced by leucine, an amino acid with similar properties. This amino acid position is highly conserved in available vertebrate species. In addition, this alteration is predicted to be deleterious by in silico analysis. Since supporting evidence is limited at this time, the clinical significance of this alteration remains unclear.

NM_144997.7(FLCN):c.461A>T (p.His154Leu)

Gene: FLCN (folliculin; minus strand). Cytogenetic location: 17p11.2.
Variant type: single nucleotide variant.
Coding change: c.461A>T on transcript NM_144997.7 (MANE Select); coding-DNA position 461, A replaced by T.
Protein change: p.His154Leu; replaces histidine 154 with leucine.
Molecular consequence: missense variant.
Genome position (GRCh38, 1-based): chr17:17,224,079, T>A on the plus strand (A>T on the coding strand, the complement: FLCN is on the minus strand). VCF-style: chr17-17224079-T-A. GRCh37 (hg19) VCF-style: chr17-17127393-T-A.
Other names: c.461A>T (LRG_325t1); c.515A>T, p.His172Leu (NM_001353229.2); c.461A>T, p.His154Leu (NM_001353230.2, NM_001353231.2, NM_144606.7); short protein forms H154L, H172L.
Identifiers: ClinVar variation 485628 (VCV000485628.13), dbSNP rs1555610310, ClinGen allele CA398534509.